The following is an entry in ClinVar:

ClinVar aggregate classification (germline): Uncertain significance (1 of 4 stars; one submission).

Submission:

Labcorp Genetics (formerly Invitae), Labcorp
Classification: Uncertain significance. Last evaluated: 2023-07-10. Review status: criteria provided, single submitter. Criteria: Invitae Variant Classification Sherloc (09022015). Collection method: clinical testing. Allele origin: germline.
Comment: In summary, the available evidence is currently insufficient to determine the role of this variant in disease. Therefore, it has been classified as a Variant of Uncertain Significance. Algorithms developed to predict the effect of sequence changes on RNA splicing suggest that this variant may disrupt the consensus splice site. Experimental studies and prediction algorithms are not available or were not evaluated, and the functional significance of this variant is currently unknown. This variant has not been reported in the literature in individuals affected with NFIA-related conditions. This variant is present in population databases (no rsID available, gnomAD 0.05%). This variant, c.1079_1090del, results in the deletion of 4 amino acid(s) of the NFIA protein (p.Ser360_Ala363del), but otherwise preserves the integrity of the reading frame.

NC_000001.11:g.61404107_61404118del

Gene: NFIA (nuclear factor I A; plus strand). Cytogenetic location: 1p31.3.
Variant type: Deletion.
Genome position: GRCh38 VCF-style: chr1-61404102-AGCAAGTCCGCAT-A. GRCh37 (hg19) VCF-style: chr1-61869774-AGCAAGTCCGCAT-A.
Identifiers: ClinVar variation 2896330 (VCV002896330.3), dbSNP rs1206515976, ClinGen allele CA523635360.